The following is an entry in ClinVar:

ClinVar aggregate classification (germline): Uncertain significance (1 of 4 stars; one submission).

Conditions:
Epidermolysis bullosa simplex 5B, with muscular dystrophy (EBS5B). Also called: EPIDERMOLYSIS BULLOSA SIMPLEX AND LIMB-GIRDLE MUSCULAR DYSTROPHY; Epidermolysis bullosa simplex with muscular dystrophy. Identifiers: Orphanet 257, MedGen C2931072, MONDO:0009181, OMIM 226670.
Autosomal recessive limb-girdle muscular dystrophy type 2Q (LGMDR17). Also called: MUSCULAR DYSTROPHY, LIMB-GIRDLE, AUTOSOMAL RECESSIVE 17. Identifiers: Orphanet 254361, MedGen C3150989, MONDO:0013390, OMIM 613723.
Epidermolysis bullosa simplex, Ogna type (EBS5A). Also called: Pidermolysis bullosa simplex 5A, Ogna type; EPIDERMOLYSIS BULLOSA SIMPLEX 5A, OGNA TYPE. Identifiers: Orphanet 79401, MedGen C0432317, MONDO:0007555, OMIM 131950.
Epidermolysis bullosa simplex 5C, with pyloric atresia (EBS5C). Also called: PLEC-Related Epidermolysis Bullosa with Pyloric Atresia; Epidermolysis bullosa simplex with pyloric atresia; PLEC1-Related Epidermolysis Bullosa with Pyloric Atresia. Identifiers: Orphanet 158684, MedGen C2677349, MONDO:0012807, OMIM 612138.
Epidermolysis bullosa simplex with nail dystrophy (EBS5D). Identifiers: MedGen C4225309, MONDO:0014661, OMIM 616487.

Submission:

Labcorp Genetics (formerly Invitae), Labcorp
Classification: Uncertain significance for Autosomal recessive limb-girdle muscular dystrophy type 2Q; Epidermolysis bullosa simplex, Ogna type; Epidermolysis bullosa simplex with nail dystrophy; Epidermolysis bullosa simplex 5C, with pyloric atresia; Epidermolysis bullosa simplex 5B, with muscular dystrophy. Last evaluated: 2025-03-26. Review status: criteria provided, single submitter. Criteria: Invitae Variant Classification Sherloc (09022015). Collection method: clinical testing. Allele origin: germline.
Comment: This variant, c.10997_10999del, results in the deletion of 1 amino acid(s) of the PLEC protein (p.Ser3666del), but otherwise preserves the integrity of the reading frame. This variant is not present in population databases (gnomAD no frequency). This variant has not been reported in the literature in individuals affected with PLEC-related conditions. Experimental studies and prediction algorithms are not available or were not evaluated, and the functional significance of this variant is currently unknown. In summary, the available evidence is currently insufficient to determine the role of this variant in disease. Therefore, it has been classified as a Variant of Uncertain Significance.

NM_201384.3(PLEC):c.10913CCT[1] (p.Ser3639del)

Gene: PLEC (plectin; minus strand). Cytogenetic location: 8q24.3.
Variant type: Microsatellite.
Coding change: c.10913CCT[1] on transcript NM_201384.3 (MANE Select); one copy of the 3-base unit CCT starting at c.10913; the reference has two copies in a row; one copy, 3 bases deleted.
Protein change: p.Ser3639del; deletes serine 3639.
Molecular consequence: inframe deletion. On other transcripts: inframe indel (1).
Genome position (GRCh38, 1-based): chr8:143,918,903-143,918,905, AGG deleted on the plus strand (CCT on the coding strand, the reverse complement: PLEC is on the minus strand); deleting any 3 consecutive bases within chr8:143,918,903-143,918,908 gives the same sequence; the position shown is the placement nearest the transcript's 3' end. VCF-style (leftmost placement, unchanged base first): chr8-143918902-TAGG-T. GRCh37 (hg19) VCF-style: chr8-144993070-TAGG-T.
Other names: c.10994CCT[1], p.Ser3666del (NM_000445.5); c.7613_7615CCT[1], p.Ser2539del (NM_001410941.1); c.10871CCT[1], p.Ser3625del (NM_201378.4); c.10847CCT[1], p.Ser3617del (NM_201379.3); c.11324CCT[1], p.Ser3776del (NM_201380.4); c.10817CCT[1], p.Ser3607del (NM_201381.3); c.10913CCT[1], p.Ser3639del (NM_201382.4); c.10925CCT[1], p.Ser3643del (NM_201383.3); short protein forms S3776del, S3639del, S3643del, S2539del, S3607del, S3617del, S3625del, S3666del.
Identifiers: ClinVar variation 2183941 (VCV002183941.4), dbSNP rs1400392293, ClinGen allele CA848826093.